The following is an entry in ClinVar:

NM_022124.6(CDH23):c.3580-11G>A

Genes: C10orf105 (chromosome 10 open reading frame 105; minus strand), CDH23 (cadherin related 23; plus strand). Cytogenetic location: 10q22.1.
Variant type: single nucleotide variant.
Coding change: c.3580-11G>A on transcript NM_022124.6 (MANE Select); 11 bases into the intron before coding-DNA position 3580, G replaced by A.
Molecular consequence: intron variant.
Genome position (GRCh38, 1-based): chr10:71,730,458, G>A. VCF-style: chr10-71730458-G-A. GRCh37 (hg19) VCF-style: chr10-73490215-G-A.
Other names: c.3580-11G>A (NM_001171930.2); c.-6+7270C>T (NM_001168390.2).
Identifiers: ClinVar variation 1194608 (VCV001194608.10), dbSNP rs769972347, ClinGen allele CA5544782.

ClinVar aggregate classification (germline): Conflicting classifications of pathogenicity. Review status: criteria provided, conflicting classifications (1 of 4 stars). 2 submissions from 2 submitters: Likely pathogenic (1); Uncertain significance (1). Last evaluated 2025-07-20.

Allele frequency attached by ClinVar (database versions not stated): gnomAD 0.00001; TOPMed below 0.00001.
gnomAD v4.1: 6 of 1,612,942 alleles (0.00037%); highest among the groups gnomAD compares: Middle Eastern, 0.018%; no homozygotes.

Submissions (2):

Labcorp Genetics (formerly Invitae), Labcorp
Classification: Uncertain significance. Last evaluated: 2025-07-20. Review status: criteria provided, single submitter. Criteria: Invitae Variant Classification Sherloc (09022015). Collection method: clinical testing. Allele origin: germline.
Comment: This sequence change falls in intron 30 of the CDH23 gene. It does not directly change the encoded amino acid sequence of the CDH23 protein. The frequency data for this variant in the population databases is considered unreliable, as metrics indicate poor data quality at this position in the gnomAD database. This variant has not been reported in the literature in individuals affected with CDH23-related conditions. ClinVar contains an entry for this variant (Variation ID: 1194608). Algorithms developed to predict the effect of sequence changes on RNA splicing suggest that this variant may disrupt the consensus splice site. In summary, the available evidence is currently insufficient to determine the role of this variant in disease. Therefore, it has been classified as a Variant of Uncertain Significance.

GeneDx
Classification: Likely pathogenic. Last evaluated: 2024-09-30. Review status: criteria provided, single submitter. Criteria: GeneDx Variant Classification Process June 2021. Collection method: clinical testing. Allele origin: germline. Affected: yes.
Comment: Not observed at significant frequency in large population cohorts (gnomAD); In silico analysis supports a deleterious effect on splicing; Has not been previously published as pathogenic or benign to our knowledge